The following is an entry in ClinVar:

NM_006949.4(STXBP2):c.1379T>C (p.Leu460Pro)

Gene: STXBP2 (syntaxin binding protein 2; plus strand). Cytogenetic location: 19p13.2.
Variant type: single nucleotide variant.
Coding change: c.1379T>C on transcript NM_006949.4 (MANE Select); coding-DNA position 1379, T replaced by C.
Protein change: p.Leu460Pro; replaces leucine 460 with proline.
Molecular consequence: missense variant. On other transcripts: non-coding transcript variant (1).
Genome position (GRCh38, 1-based): chr19:7,646,271, T>C. VCF-style: chr19-7646271-T-C. GRCh37 (hg19) VCF-style: chr19-7711157-T-C.
Other names: c.1370T>C, p.Leu457Pro (NM_001127396.3); c.1412T>C, p.Leu471Pro (NM_001272034.2); c.1283T>C, p.Leu428Pro (NM_001414484.1); short protein forms L428P, L457P, L460P, L471P.
Identifiers: ClinVar variation 4808553 (VCV004808553.1).

ClinVar aggregate classification (germline): Uncertain significance (1 of 4 stars; one submission).

Conditions:
Familial hemophagocytic lymphohistiocytosis 5. Also called: STXBP2-Related Familial Hemophagocytic Lymphohistiocytosis (STXBP2-fHLH). Identifiers: Orphanet 540, MedGen C2751293, MONDO:0013135, OMIM 613101.

gnomAD v4.1: 2 of 1,609,502 alleles (0.00012%); highest among the groups gnomAD compares: Non-Finnish European, 0.00017%; no homozygotes.

Submission:

Labcorp Genetics (formerly Invitae), Labcorp
Classification: Uncertain significance for Familial hemophagocytic lymphohistiocytosis 5. Last evaluated: 2025-12-06. Review status: criteria provided, single submitter. Criteria: Invitae Variant Classification Sherloc (09022015). Collection method: clinical testing. Allele origin: germline.
Comment: This sequence change replaces leucine, which is neutral and non-polar, with proline, which is neutral and non-polar, at codon 460 of the STXBP2 protein (p.Leu460Pro). This variant is not present in population databases (gnomAD no frequency). This variant has not been reported in the literature in individuals affected with STXBP2-related conditions. Invitae Evidence Modeling of protein sequence and biophysical properties (such as structural, functional, and spatial information, amino acid conservation, physicochemical variation, residue mobility, and thermodynamic stability) indicates that this missense variant is not expected to disrupt STXBP2 protein function with a negative predictive value of 95%. In summary, the available evidence is currently insufficient to determine the role of this variant in disease. Therefore, it has been classified as a Variant of Uncertain Significance.